The following is an entry in ClinVar:

ClinVar aggregate classification (germline): Uncertain significance (1 of 4 stars; one submission).

Submission:

Labcorp Genetics (formerly Invitae), Labcorp
Classification: Uncertain significance. Last evaluated: 2024-12-12. Review status: criteria provided, single submitter. Criteria: Invitae Variant Classification Sherloc (09022015). Collection method: clinical testing. Allele origin: germline.
Comment: This sequence change replaces lysine, which is basic and polar, with glutamic acid, which is acidic and polar, at codon 1235 of the SAMD9L protein (p.Lys1235Glu). This variant is not present in population databases (gnomAD no frequency). This variant has not been reported in the literature in individuals affected with SAMD9L-related conditions. Invitae Evidence Modeling of protein sequence and biophysical properties (such as structural, functional, and spatial information, amino acid conservation, physicochemical variation, residue mobility, and thermodynamic stability) indicates that this missense variant is not expected to disrupt SAMD9L protein function with a negative predictive value of 80%. In summary, the available evidence is currently insufficient to determine the role of this variant in disease. Therefore, it has been classified as a Variant of Uncertain Significance.

NM_152703.5(SAMD9L):c.3703A>G (p.Lys1235Glu)

Gene: SAMD9L (sterile alpha motif domain containing 9 like; minus strand). Cytogenetic location: 7q21.2.
Variant type: single nucleotide variant.
Coding change: c.3703A>G on transcript NM_152703.5 (MANE Select); coding-DNA position 3703, A replaced by G.
Protein change: p.Lys1235Glu; replaces lysine 1235 with glutamic acid.
Molecular consequence: missense variant.
Genome position (GRCh38, 1-based): chr7:93,132,269, T>C on the plus strand (A>G on the coding strand, the complement: SAMD9L is on the minus strand). VCF-style: chr7-93132269-T-C. GRCh37 (hg19) VCF-style: chr7-92761582-T-C.
Other names: c.3703A>G, p.Lys1235Glu (NM_001350085.2, NM_001303496.3, NM_001303497.3 and 5 more transcripts); short protein forms K1235E.
Identifiers: ClinVar variation 3667321 (VCV003667321.2).